The following is an entry in ClinVar:

ClinVar aggregate classification (germline): Likely benign. Review status: criteria provided, multiple submitters, no conflicts (2 of 4 stars). 2 submissions from 2 submitters: Likely benign (2). Last evaluated 2024-11-01.

Allele frequency attached by ClinVar (database versions not stated): gnomAD 0.00001; gnomAD exomes 0.00001 and 0.00003; TOPMed 0.00002; ExAC 0.00006.
gnomAD v4.1: 15 of 1,613,904 alleles (0.00093%); highest among the groups gnomAD compares: East Asian, 0.02%; no homozygotes.

Submissions (2):

CeGaT Center for Human Genetics Tuebingen
Classification: Likely benign. Last evaluated: 2024-11-01. Review status: criteria provided, single submitter. Criteria: CeGaT Center For Human Genetics Tuebingen Variant Classification Criteria Version 2. Collection method: clinical testing. Allele origin: germline. Affected: yes. Observed: 1 variant allele.
Comment: ANK3: BP4, BP7

Labcorp Genetics (formerly Invitae), Labcorp
Classification: Likely benign. Last evaluated: 2022-03-04. Review status: criteria provided, single submitter. Criteria: Invitae Variant Classification Sherloc (09022015). Collection method: clinical testing. Allele origin: germline.

NM_020987.5(ANK3):c.10401C>T (p.Ile3467=)

Gene: ANK3 (ankyrin 3; minus strand). Cytogenetic location: 10q21.2.
Variant type: single nucleotide variant.
Coding change: c.10401C>T on transcript NM_020987.5 (MANE Select); coding-DNA position 10401, C replaced by T.
Protein change: p.Ile3467=; no amino-acid change (isoleucine 3467 retained).
Molecular consequence: synonymous variant. On other transcripts: intron variant (4).
Genome position (GRCh38, 1-based): chr10:60,070,480, G>A on the plus strand (C>T on the coding strand, the complement: ANK3 is on the minus strand). VCF-style: chr10-60070480-G-A. GRCh37 (hg19) VCF-style: chr10-61830238-G-A.
Other names: c.4388-2471C>T (NM_001204403.2); c.4409-2471C>T (NM_001204404.2); c.4406-2471C>T (NM_001320874.2); c.1808-2471C>T (NM_001149.4).
Identifiers: ClinVar variation 792834 (VCV000792834.21), dbSNP rs200592890, ClinGen allele CA5511249.